The following is an entry in ClinVar:

ClinVar aggregate classification (germline): Pathogenic (1 of 4 stars; one submission).

Conditions:
Thrombophilia, X-linked, due to factor 9 defect. Identifiers: MedGen C2749016, MONDO:0010432, OMIM 300807.
Hereditary factor IX deficiency disease (HEMB). Also called: F9 DEFICIENCY; FACTOR IX DEFICIENCY; Christmas Disease; PLASMA THROMBOPLASTIN COMPONENT DEFICIENCY; Hemophilia B. Identifiers: Orphanet 98879, MedGen C0008533, MeSH D002836, MONDO:0010604, OMIM 306900.

Submission:

Labcorp Genetics (formerly Invitae), Labcorp
Classification: Pathogenic for Thrombophilia, X-linked, due to factor 9 defect; Hereditary factor IX deficiency disease. Last evaluated: 2023-08-16. Review status: criteria provided, single submitter. Criteria: Invitae Variant Classification Sherloc (09022015). Collection method: clinical testing. Allele origin: germline.
Comment: For these reasons, this variant has been classified as Pathogenic. Algorithms developed to predict the effect of sequence changes on RNA splicing suggest that this variant may disrupt the consensus splice site. ClinVar contains an entry for this variant (Variation ID: 574429). This variant is also known as 6677G>C. Disruption of this splice site has been observed in individuals with hemophilia B (PMID: 8434583, 8680410). This variant is not present in population databases (gnomAD no frequency). This sequence change affects an acceptor splice site in intron 2 of the F9 gene. It is expected to disrupt RNA splicing. Variants that disrupt the donor or acceptor splice site typically lead to a loss of protein function (PMID: 16199547), and loss-of-function variants in F9 are known to be pathogenic (PMID: 20301668).

Literature cited by the submitters: PubMed 8434583; PubMed 8680410; PubMed 16199547; PubMed 20301668.

NM_000133.4(F9):c.253-1G>C

Gene: F9 (coagulation factor IX; plus strand). Cytogenetic location: Xq27.1.
Variant type: single nucleotide variant.
Coding change: c.253-1G>C on transcript NM_000133.4 (MANE Select); the canonical splice acceptor site of the intron before coding-DNA position 253, G replaced by C.
Molecular consequence: splice acceptor variant.
Genome position (GRCh38, 1-based): chrX:139,537,361, G>C. VCF-style: chrX-139537361-G-C. GRCh37 (hg19) VCF-style: chrX-138619520-G-C.
Other names: c.253-1G>C (NM_001313913.2).
Identifiers: ClinVar variation 574429 (VCV000574429.11), dbSNP rs1434866164, ClinGen allele CA414436498.